The following is an entry in ClinVar:

ClinVar aggregate classification (germline): Uncertain significance (1 of 4 stars; one submission).

Conditions:
Lethal congenital glycogen storage disease of heart. Also called: GLYCOGEN STORAGE DISEASE OF HEART; PHOSPHORYLASE KINASE DEFICIENCY OF HEART. Identifiers: Orphanet 439854, MedGen C1849813, MONDO:0009867, OMIM 261740.

Submission:

Labcorp Genetics (formerly Invitae), Labcorp
Classification: Uncertain significance for Lethal congenital glycogen storage disease of heart. Last evaluated: 2025-02-06. Review status: criteria provided, single submitter. Criteria: Invitae Variant Classification Sherloc (09022015). Collection method: clinical testing. Allele origin: germline.
Comment: This sequence change replaces glycine, which is neutral and non-polar, with arginine, which is basic and polar, at codon 431 of the PRKAG2 protein (p.Gly431Arg). This variant is not present in population databases (gnomAD no frequency). This variant has not been reported in the literature in individuals affected with PRKAG2-related conditions. Invitae Evidence Modeling of protein sequence and biophysical properties (such as structural, functional, and spatial information, amino acid conservation, physicochemical variation, residue mobility, and thermodynamic stability) indicates that this missense variant is expected to disrupt PRKAG2 protein function with a positive predictive value of 95%. In summary, the available evidence is currently insufficient to determine the role of this variant in disease. Therefore, it has been classified as a Variant of Uncertain Significance.

NM_016203.4(PRKAG2):c.1291G>A (p.Gly431Arg)

Gene: PRKAG2 (protein kinase AMP-activated non-catalytic subunit gamma 2; minus strand). Cytogenetic location: 7q36.1.
Variant type: single nucleotide variant.
Coding change: c.1291G>A on transcript NM_016203.4 (MANE Select); coding-DNA position 1291, G replaced by A.
Protein change: p.Gly431Arg; replaces glycine 431 with arginine.
Molecular consequence: missense variant.
Genome position (GRCh38, 1-based): chr7:151,565,828, C>T on the plus strand (G>A on the coding strand, the complement: PRKAG2 is on the minus strand). VCF-style: chr7-151565828-C-T. GRCh37 (hg19) VCF-style: chr7-151262914-C-T.
Other names: c.1159G>A, p.Gly387Arg (NM_001040633.2, NM_001407024.1); c.916G>A, p.Gly306Arg (NM_001304527.2, NM_001407029.1); c.568G>A, p.Gly190Arg (NM_001304531.2, NM_001407034.1, NM_001407035.1 and 1 more transcripts); c.919G>A, p.Gly307Arg (NM_001363698.2, NM_001407028.1); c.1291G>A, p.Gly431Arg (NM_001407021.1); c.1288G>A, p.Gly430Arg (NM_001407022.1, NM_001407023.1); c.1156G>A, p.Gly386Arg (NM_001407026.1, NM_001407027.1); c.1003G>A, p.Gly335Arg (NM_001407030.1); and 6 more; short protein forms G189R, G190R, G206R, G210R, G306R, G307R, G323R, G325R.
Identifiers: ClinVar variation 4802504 (VCV004802504.1).